The following is an entry in ClinVar:

NM_002528.7(NTHL1):c.116-2A>C

Gene: NTHL1 (nth like DNA glycosylase 1; minus strand). Cytogenetic location: 16p13.3.
Variant type: single nucleotide variant.
Coding change: c.116-2A>C on transcript NM_002528.7 (MANE Select); the canonical splice acceptor site of the intron before coding-DNA position 116, A replaced by C.
Molecular consequence: splice acceptor variant.
Genome position (GRCh38, 1-based): chr16:2,046,368, T>G on the plus strand (A>C on the coding strand, the complement: NTHL1 is on the minus strand). VCF-style: chr16-2046368-T-G. GRCh37 (hg19) VCF-style: chr16-2096369-T-G.
Other names: c.-63-2A>C (NM_001318194.2); c.116-2A>C (NM_001318193.2).
Identifiers: ClinVar variation 2065396 (VCV002065396.5), dbSNP rs1411270811, ClinGen allele CA394298127.

ClinVar aggregate classification (germline): Likely pathogenic. Review status: criteria provided, multiple submitters, no conflicts (2 of 4 stars). 2 submissions from 2 submitters: Likely pathogenic (2). Last evaluated 2023-08-31.

Conditions:
Familial adenomatous polyposis 3. Also called: NTHL1-Related Adenomatous Polyposis and Colorectal Cancer; NTHL1 Tumor Syndrome; NTHL1-related attenuated familial adenomatous polyposis; NTHL1-associated polyposis. Identifiers: Orphanet 220460, Orphanet 454840, MedGen C4225157, MONDO:0014630, OMIM 616415.

Submissions (2):

Myriad Genetics, Inc.
Classification: Likely pathogenic for Familial adenomatous polyposis 3. Last evaluated: 2023-08-31. Review status: criteria provided, single submitter. Criteria: Myriad Autosomal Dominant, Autosomal Recessive and X-Linked Classification Criteria (2023). Collection method: clinical testing. Allele origin: unknown.
Comment: This variant is considered likely pathogenic. This variant occurs within a consensus splice junction and is predicted to result in abnormal mRNA splicing of either an out-of-frame exon or an in-frame exon necessary for protein stability and/or normal function.

Labcorp Genetics (formerly Invitae), Labcorp
Classification: Likely pathogenic. Last evaluated: 2021-12-29. Review status: criteria provided, single submitter. Criteria: Invitae Variant Classification Sherloc (09022015). Collection method: clinical testing. Allele origin: germline.
Comment: This sequence change affects an acceptor splice site in intron 1 of the NTHL1 gene. It is expected to disrupt RNA splicing. Variants that disrupt the donor or acceptor splice site typically lead to a loss of protein function (PMID: 16199547), and loss-of-function variants in NTHL1 are known to be pathogenic (PMID: 25938944, 26559593). In summary, the currently available evidence indicates that the variant is pathogenic, but additional data are needed to prove that conclusively. Therefore, this variant has been classified as Likely Pathogenic. This variant has not been reported in the literature in individuals affected with NTHL1-related conditions. This variant is not present in population databases (gnomAD no frequency).

Literature cited by the submitters: PubMed 16199547 (cited by Labcorp Genetics (formerly Invitae), Labcorp); PubMed 25938944 (cited by Labcorp Genetics (formerly Invitae), Labcorp); PubMed 26559593 (cited by Labcorp Genetics (formerly Invitae), Labcorp).